The following is an entry in ClinVar:

NM_152564.5(VPS13B):c.8381C>A (p.Ser2794Tyr)

Gene: VPS13B (vacuolar protein sorting 13 homolog B; plus strand). Cytogenetic location: 8q22.2.
Variant type: single nucleotide variant.
Coding change: c.8381C>A on transcript NM_152564.5 (MANE Select); coding-DNA position 8381, C replaced by A.
Protein change: p.Ser2794Tyr; replaces serine 2794 with tyrosine.
Molecular consequence: missense variant.
Genome position (GRCh38, 1-based): chr8:99,818,470, C>A. VCF-style: chr8-99818470-C-A. GRCh37 (hg19) VCF-style: chr8-100830698-C-A.
Other names: c.8456C>A, p.Ser2819Tyr (NM_017890.5); c.8456C>A (NM_017890.3); short protein forms S2794Y, S2819Y.
Identifiers: ClinVar variation 2198966 (VCV002198966.4), dbSNP rs146553331, ClinGen allele CA4824441.

ClinVar aggregate classification (germline): Uncertain significance. Review status: criteria provided, multiple submitters, no conflicts (2 of 4 stars). 4 submissions from 4 submitters: Uncertain significance (4). Last evaluated 2026-08-14.

Conditions:
VPS13B-related disorder. Also called: VPS13B-related condition.
Inborn genetic diseases. Identifiers: MedGen C0950123, MeSH D030342.
Cohen syndrome (COH1). Also called: PEPPER SYNDROME; Cutis verticis gyrata, retinitis pigmentosa, and sensorineural deafness. Identifiers: Orphanet 193, MedGen C0265223, MONDO:0008999, OMIM 216550.

Allele frequency attached by ClinVar (database versions not stated): gnomAD 0.00002; gnomAD exomes 0.00003; TOPMed 0.00004; ExAC 0.00007; 1000 Genomes Project 30x 0.00016; 1000 Genomes Project 0.00020.
gnomAD v4.1: 46 of 1,614,012 alleles (0.0029%); highest among the groups gnomAD compares: East Asian, 0.096%; no homozygotes.

Submissions (4):

PreventionGenetics, part of Exact Sciences
Classification: Uncertain significance for VPS13B-related condition. Last evaluated: 2026-08-14. Review status: criteria provided, single submitter. Criteria: ACMG Guidelines, 2015. Collection method: clinical testing. Allele origin: germline.
Comment: The VPS13B c.8381C>A variant is predicted to result in the amino acid substitution p.Ser2794Tyr. To our knowledge, this variant has not been reported in the literature. This variant is reported in 0.055% of alleles in individuals of East Asian descent in gnomAD. Although we suspect that this variant may be benign, at this time, the clinical significance of this variant is uncertain due to the absence of conclusive functional and genetic evidence.

Ambry Genetics
Classification: Uncertain significance for Inborn genetic diseases. Last evaluated: 2025-12-09. Review status: criteria provided, single submitter. Criteria: Ambry Variant Classification Scheme 2023. Collection method: clinical testing. Allele origin: germline.

Labcorp Genetics (formerly Invitae), Labcorp
Classification: Uncertain significance for Cohen syndrome. Last evaluated: 2022-11-01. Review status: criteria provided, single submitter. Criteria: Invitae Variant Classification Sherloc (09022015). Collection method: clinical testing. Allele origin: germline.
Comment: This sequence change replaces serine, which is neutral and polar, with tyrosine, which is neutral and polar, at codon 2819 of the VPS13B protein (p.Ser2819Tyr). This variant is present in population databases (rs146553331, gnomAD 0.06%). This variant has not been reported in the literature in individuals affected with VPS13B-related conditions. Advanced modeling of protein sequence and biophysical properties (such as structural, functional, and spatial information, amino acid conservation, physicochemical variation, residue mobility, and thermodynamic stability) performed at Invitae indicates that this missense variant is expected to disrupt VPS13B protein function. In summary, the available evidence is currently insufficient to determine the role of this variant in disease. Therefore, it has been classified as a Variant of Uncertain Significance.

Blueprint Genetics
Classification: Uncertain significance. Last evaluated: 2020-12-08. Review status: criteria provided, single submitter. Criteria: ACMG Guidelines, 2015. Collection method: clinical testing. Allele origin: germline.